The following is an entry in ClinVar:

NM_003470.3(USP7):c.1879G>C (p.Ala627Pro)

Gene: USP7 (ubiquitin specific peptidase 7; minus strand). Cytogenetic location: 16p13.2.
Variant type: single nucleotide variant.
Coding change: c.1879G>C on transcript NM_003470.3 (MANE Select); coding-DNA position 1879, G replaced by C.
Protein change: p.Ala627Pro; replaces alanine 627 with proline.
Molecular consequence: missense variant. On other transcripts: non-coding transcript variant (1).
Genome position (GRCh38, 1-based): chr16:8,902,443, C>G on the plus strand (G>C on the coding strand, the complement: USP7 is on the minus strand). VCF-style: chr16-8902443-C-G. GRCh37 (hg19) VCF-style: chr16-8996300-C-G.
Other names: c.1831G>C, p.Ala611Pro (NM_001286457.2); c.1582G>C, p.Ala528Pro (NM_001286458.2); c.1705G>C, p.Ala569Pro (NM_001321858.2); c.1879G>C (NM_003470.2); short protein forms A528P, A569P, A611P, A627P.
Identifiers: ClinVar variation 1697072 (VCV001697072.3), dbSNP rs2061789292, ClinGen allele CA394700243.

ClinVar aggregate classification (germline): Uncertain significance (1 of 4 stars; one submission).

Submission:

GeneDx
Classification: Uncertain significance. Last evaluated: 2024-07-16. Review status: criteria provided, single submitter. Criteria: GeneDx Variant Classification Process June 2021. Collection method: clinical testing. Allele origin: germline. Affected: yes.
Comment: Not observed at significant frequency in large population cohorts (gnomAD); In silico analysis indicates that this missense variant does not alter protein structure/function; Has not been previously published as pathogenic or benign to our knowledge